The following is an entry in ClinVar:

ClinVar aggregate classification (germline): Pathogenic. Review status: reviewed by expert panel (3 of 4 stars). 15 submissions from 15 submitters: Pathogenic (1). 14 of the submissions do not count toward it. Last evaluated 2016-09-08.

Conditions:
Hereditary cancer-predisposing syndrome. Also called: Hereditary Cancer Syndrome; Tumor predisposition; Neoplastic Syndromes, Hereditary; Hereditary neoplastic syndrome. Identifiers: Orphanet 140162, MedGen C0027672, MeSH D009386, MONDO:0015356.
Hereditary breast ovarian cancer syndrome. Also called: Breast and ovarian cancer; BRCA1- and BRCA2-Associated Hereditary Breast and Ovarian Cancer; Hereditary breast and ovarian cancer; Hereditary breast and ovarian cancer syndrome (HBOC); Hereditary breast and ovarian cancer syndrome; Hereditary breast and/or ovarian cancer syndrome. Identifiers: Orphanet 145, MedGen C0677776, MeSH D061325, MONDO:0003582. Disease mechanism: loss of function.
Ovarian neoplasm. Also called: Ovarian tumor; Ovarian Neoplasms; Neoplasm of ovary. Identifiers: MedGen C0919267, MeSH D010051, MONDO:0021068, HP:0100615.
Breast-ovarian cancer, familial, susceptibility to, 2 (BROVCA2). Also called: BRCA2 Hereditary Breast and Ovarian Cancer. Identifiers: Orphanet 145, MedGen C2675520, MONDO:0012933, OMIM 612555. Disease mechanism: loss of function.

Submissions (15):

Evidence-based Network for the Interpretation of Germline Mutant Alleles (ENIGMA)
Classification: Pathogenic for Breast-ovarian cancer, familial, susceptibility to, 2. Last evaluated: 2016-09-08. Review status: reviewed by expert panel. Criteria: ENIGMA BRCA1/2 Classification Criteria (2015). Collection method: curation. Allele origin: germline.
Comment: Variant allele predicted to encode a truncated non-functional protein.

Women's Health and Genetics/Laboratory Corporation of America, LabCorp
Classification: Pathogenic for Hereditary breast ovarian cancer syndrome. Last evaluated: 2026-03-17. Review status: criteria provided, single submitter. Criteria: LabCorp Variant Classification Summary - May 2015. Collection method: clinical testing. Allele origin: germline. Not counted in ClinVar's aggregate classification.
Comment: Variant summary: BRCA2 c.1499delG (p.Gly500ValfsX9), also reported as 1727delG, results in a premature termination codon, predicted to cause a truncation of the encoded protein or absence of the protein due to nonsense mediated decay, which are commonly known mechanisms for disease. The variant was absent in 231192 control chromosomes. c.1499delG has been observed in individual(s) undergoing genetic testing for Hereditary Breast And Ovarian Cancer Syndrome (example, Meindl_2002). The following publication has been ascertained in the context of this evaluation (PMID: 11802209). ClinVar contains an entry for this variant (Variation ID: 51135). Based on the evidence outlined above, the variant was classified as pathogenic.

Labcorp Genetics (formerly Invitae), Labcorp
Classification: Pathogenic for Hereditary breast ovarian cancer syndrome. Last evaluated: 2025-11-05. Review status: criteria provided, single submitter. Criteria: Invitae Variant Classification Sherloc (09022015). Collection method: clinical testing. Allele origin: germline. Not counted in ClinVar's aggregate classification.
Comment: This sequence change creates a premature translational stop signal (p.Gly500Valfs*9) in the BRCA2 gene. It is expected to result in an absent or disrupted protein product. Loss-of-function variants in BRCA2 are known to be pathogenic (PMID: 20104584). This variant is not present in population databases (gnomAD no frequency). This premature translational stop signal has been observed in individual(s) with breast cancer (PMID: 11802209). This variant is also known as 1727delG. ClinVar contains an entry for this variant (Variation ID: 51135). RNA analysis performed to evaluate the impact of this premature translational stop signal on mRNA splicing indicates it does not significantly alter splicing (internal data). For these reasons, this variant has been classified as Pathogenic.

CeGaT Center for Human Genetics Tuebingen
Classification: Pathogenic. Last evaluated: 2025-08-01. Review status: criteria provided, single submitter. Criteria: CeGaT Center For Human Genetics Tuebingen Variant Classification Criteria Version 2. Collection method: clinical testing. Allele origin: germline. Affected: yes. Observed: 7 variant alleles. Not counted in ClinVar's aggregate classification.
Comment: BRCA2: PVS1, PM2, PS4:Moderate

Ambry Genetics
Classification: Pathogenic for Hereditary cancer-predisposing syndrome. Last evaluated: 2025-06-21. Review status: criteria provided, single submitter. Criteria: Ambry Variant Classification Scheme 2023. Collection method: clinical testing. Allele origin: germline. Not counted in ClinVar's aggregate classification.
Comment: The c.1499delG pathogenic mutation, located in coding exon 9 of the BRCA2 gene, results from a deletion of one nucleotide at nucleotide position 1499, causing a translational frameshift with a predicted alternate stop codon (p.G500Vfs*9). This alteration, designated 1727delG, was detected in 2/989 unrelated individuals from a cohort of German breast/ovarian cancer families (Meindl A et al. Int. J. Cancer, 2002 Feb;97:472-80). In addition to the clinical data presented in the literature, this alteration is expected to result in loss of function by premature protein truncation or nonsense-mediated mRNA decay. As such, this alteration is interpreted as a disease-causing mutation.

GeneDx
Classification: Pathogenic. Last evaluated: 2025-05-19. Review status: criteria provided, single submitter. Criteria: GeneDx Variant Classification Process June 2021. Collection method: clinical testing. Allele origin: germline. Affected: yes. Not counted in ClinVar's aggregate classification.
Comment: Frameshift variant predicted to result in protein truncation or nonsense mediated decay in a gene for which loss of function is a known mechanism of disease; Not observed at significant frequency in large population cohorts (gnomAD); Truncating variants in this gene are considered pathogenic by a well-established clinical consortium and/or database; Also known as 1727delG; This variant is associated with the following publications: (PMID: 31825140, 19941162, 20104584, JiangY2021[preprint], 30702160, 34308104, 29053726, 11802209)

Quest Diagnostics Nichols Institute San Juan Capistrano
Classification: Pathogenic. Last evaluated: 2025-04-08. Review status: criteria provided, single submitter. Criteria: Quest Diagnostics criteria. Collection method: clinical testing. Allele origin: unknown. Not counted in ClinVar's aggregate classification.
Comment: The BRCA2 c.1499del (p.Gly500Valfs*9) variant alters the translational reading frame of the BRCA2 mRNA and causes the premature termination of BRCA2 protein synthesis. This variant has been reported in the published literature in patients with breast and/or ovarian cancer (PMIDs: 11802209 (2002)), 28294317 (2017), 29053726 (2017), 30702160 (2019)). This variant has not been reported in large, multi-ethnic general populations (Genome Aggregation Database). Based on the available information, this variant is classified as pathogenic.

Institute of Medical Genetics and Applied Genomics, University Hospital Tübingen
Classification: Pathogenic. Last evaluated: 2021-09-15. Review status: criteria provided, single submitter. Criteria: ACMG Guidelines, 2015. Collection method: clinical testing. Allele origin: germline. Inheritance: Autosomal dominant inheritance. Affected: yes. Not counted in ClinVar's aggregate classification.

Laboratory for Molecular Medicine, Mass General Brigham Personalized Medicine
Classification: Pathogenic for Hereditary breast ovarian cancer syndrome. Last evaluated: 2016-12-23. Review status: criteria provided, single submitter. Criteria: LMM Criteria. Collection method: clinical testing. Allele origin: germline. Inheritance: Autosomal dominant inheritance. Observed: 1 variant allele. Not counted in ClinVar's aggregate classification.
Comment: The p.Gly500fs variant in BRCA2 has been reported in at least 2 individuals with BRCA2-associated cancers (Meindl 2002) and was absent from large population stu dies. The p.Gly500fs variant is predicted to cause a frameshift, which alters t he protein?s amino acid sequence beginning at position 500 and leads to a premat ure termination codon 9 amino acids downstream. This alteration is then predicte d to lead to a truncated or absent protein. Heterozygous loss of function of the BRCA2 gene is an established disease mechanism in hereditary breast and ovarian cancer (HBOC). In addition, this variant was classified as Pathogenic on Septem ber 8, 2016 by the ClinGen-approved ENIGMA expert panel (ClinVar SCV000300434.2) . In summary, this variant meets criteria to be classified as pathogenic for HBO C in an autosomal dominant manner based upon segregation studies and the predict ed impact to the protein.

Consortium of Investigators of Modifiers of BRCA1/2 (CIMBA), c/o University of Cambridge
Classification: Pathogenic for Breast-ovarian cancer, familial, susceptibility to, 2. Last evaluated: 2015-10-02. Review status: criteria provided, single submitter. Criteria: CIMBA Mutation Classification guidelines May 2016. Collection method: clinical testing. Allele origin: germline. Not counted in ClinVar's aggregate classification.

Clinical Genetics and Genomics, Karolinska University Hospital
Classification: Pathogenic. Last evaluated: 2014-12-11. Review status: criteria provided, single submitter. Criteria: ACMG Guidelines, 2015. Collection method: clinical testing. Allele origin: germline. Affected: yes. Observed: 5 variant alleles. Not counted in ClinVar's aggregate classification.

BRCAlab, Lund University
Classification: Pathogenic for Breast-ovarian cancer, familial, susceptibility to, 2. Last evaluated: 2020-03-02. Review status: no assertion criteria provided. Collection method: clinical testing. Allele origin: germline. Affected: yes. Not counted in ClinVar's aggregate classification.

German Consortium for Hereditary Breast and Ovarian Cancer, University Hospital Cologne
Classification: Pathogenic for Ovarian neoplasm. Last evaluated: 2018-12-01. Review status: no assertion criteria provided. Collection method: research. Allele origin: germline. Affected: yes. Not counted in ClinVar's aggregate classification.

Research Molecular Genetics Laboratory, Women's College Hospital, University of Toronto
Classification: Pathogenic for Hereditary breast ovarian cancer syndrome. Last evaluated: 2014-01-31. Review status: no assertion criteria provided. Collection method: research. Allele origin: germline. Affected: yes. Study: The Canadian Open Genetics Repository (COGR). Not counted in ClinVar's aggregate classification.

Sharing Clinical Reports Project (SCRP)
Classification: Pathogenic for Breast-ovarian cancer, familial 2. Last evaluated: 2009-02-03. Review status: no assertion criteria provided. Collection method: clinical testing. Allele origin: germline. Not counted in ClinVar's aggregate classification.

Literature cited by the submitters: PubMed 11802209 (cited by 5 submitters); PubMed 20104584 (cited by Labcorp Genetics (formerly Invitae), Labcorp); PubMed 19941162 (cited by Ambry Genetics and Quest Diagnostics Nichols Institute San Juan Capistrano); PubMed 30702160 (cited by Quest Diagnostics Nichols Institute San Juan Capistrano); PubMed 29053726 (cited by Quest Diagnostics Nichols Institute San Juan Capistrano); PubMed 28294317 (cited by Quest Diagnostics Nichols Institute San Juan Capistrano).

NM_000059.4(BRCA2):c.1499del (p.Gly500fs)

Gene: BRCA2 (BRCA2 DNA repair associated; plus strand). Cytogenetic location: 13q13.1.
Variant type: Deletion.
Coding change: c.1499del on transcript NM_000059.4 (MANE Select); coding-DNA position 1499, one base deleted (G; older notation c.1499delG).
Protein change: p.Gly500fs; shifts the reading frame from glycine 500.
Molecular consequence: frameshift variant.
Genome position (GRCh38, 1-based): chr13:32,332,977, G deleted; the last of 3 consecutive G bases (chr13:32,332,975-32,332,977); deleting any one gives the same sequence. VCF-style (leftmost placement, unchanged base first): chr13-32332974-AG-A. GRCh37 (hg19) VCF-style: chr13-32907111-AG-A.
Other names: 1727delG; c.1499delG (NM_000059.3).
Identifiers: ClinVar variation 51135 (VCV000051135.57), dbSNP rs397507591, ClinGen allele CA012235.